The following is an entry in ClinVar:

ClinVar aggregate classification (germline): Likely benign (0 of 4 stars; one submission).

Conditions:
NCOA1-related disorder. Also called: NCOA1-related condition.

Allele frequency attached by ClinVar (database versions not stated): gnomAD exomes 0.00001; gnomAD 0.00002; ExAC 0.00005; 1000 Genomes Project 30x 0.00016; 1000 Genomes Project 0.00020.
gnomAD v4.1: 23 of 1,614,182 alleles (0.0014%); highest among the groups gnomAD compares: South Asian, 0.025%; 1 homozygote.

Submission:

PreventionGenetics, part of Exact Sciences
Classification: Likely benign for NCOA1-related condition. Last evaluated: 2021-10-07. Review status: no assertion criteria provided. Collection method: clinical testing. Allele origin: germline.
Comment: This variant is classified as likely benign based on ACMG/AMP sequence variant interpretation guidelines (Richards et al. 2015 PMID: 25741868, with internal and published modifications).

NM_003743.5(NCOA1):c.3840A>G (p.Pro1280=)

Gene: NCOA1 (nuclear receptor coactivator 1; plus strand). Cytogenetic location: 2p23.3.
Variant type: single nucleotide variant.
Coding change: c.3840A>G on transcript NM_003743.5 (MANE Select); coding-DNA position 3840, A replaced by G.
Protein change: p.Pro1280=; no amino-acid change (proline 1280 retained).
Molecular consequence: synonymous variant.
Genome position (GRCh38, 1-based): chr2:24,752,115, A>G. VCF-style: chr2-24752115-A-G. GRCh37 (hg19) VCF-style: chr2-24974984-A-G.
Other names: c.3840A>G, p.Pro1280= (NM_001362950.1, NM_001362952.1, NM_001362954.1 and 3 more transcripts).
Identifiers: ClinVar variation 3036263 (VCV003036263.2), dbSNP rs560497859, ClinGen allele CA1552727.